The following is an entry in ClinVar:

NM_014915.3(ANKRD26):c.1672A>G (p.Met558Val)

Gene: ANKRD26 (ankyrin repeat domain containing 26; minus strand). Cytogenetic location: 10p12.1.
Variant type: single nucleotide variant.
Coding change: c.1672A>G on transcript NM_014915.3 (MANE Select); coding-DNA position 1672, A replaced by G.
Protein change: p.Met558Val; replaces methionine 558 with valine.
Molecular consequence: missense variant.
Genome position (GRCh38, 1-based): chr10:27,048,943, T>C on the plus strand (A>G on the coding strand, the complement: ANKRD26 is on the minus strand). VCF-style: chr10-27048943-T-C. GRCh37 (hg19) VCF-style: chr10-27337872-T-C.
Other names: c.1672A>G, p.Met558Val (NM_001256053.2); short protein forms M558V.
Identifiers: ClinVar variation 3913746 (VCV003913746.1).

ClinVar aggregate classification (germline): Uncertain significance (1 of 4 stars; one submission).

Conditions:
Inborn genetic diseases. Identifiers: MedGen C0950123, MeSH D030342.

Submission:

Ambry Genetics
Classification: Uncertain significance for Inborn genetic diseases. Last evaluated: 2025-04-16. Review status: criteria provided, single submitter. Criteria: Ambry Variant Classification Scheme 2023. Collection method: clinical testing. Allele origin: germline.
Comment: The p.M558V variant (also known as c.1672A>G), located in coding exon 17 of the ANKRD26 gene, results from an A to G substitution at nucleotide position 1672. The methionine at codon 558 is replaced by valine, an amino acid with highly similar properties. This amino acid position is conserved. In addition, this alteration is predicted to be tolerated by in silico analysis. Based on the available evidence, the clinical significance of this variant remains unclear.